The following is an entry in ClinVar:

NM_016203.4(PRKAG2):c.*896del

Gene: PRKAG2 (protein kinase AMP-activated non-catalytic subunit gamma 2; minus strand). Cytogenetic location: 7q36.1.
Variant type: Deletion.
Coding change: c.*896del on transcript NM_016203.4 (MANE Select); 896 bases downstream of the stop codon, one base deleted (T; older notation c.*896delT).
Molecular consequence: 3 prime UTR variant.
Genome position (GRCh38, 1-based): chr7:151,556,305, A deleted on the plus strand (T on the coding strand, the reverse complement: PRKAG2 is on the minus strand); the first of 5 consecutive A bases (chr7:151,556,305-151,556,309); deleting any one gives the same sequence. VCF-style (leftmost placement, unchanged base first): chr7-151556304-CA-C. GRCh37 (hg19) VCF-style: chr7-151253390-CA-C.
Other names: c.*896del (NM_001040633.2, NM_001304527.2, NM_001304531.2 and 2 more transcripts).
Identifiers: ClinVar variation 359329 (VCV000359329.36), dbSNP rs532079387, ClinGen allele CA10628493.

ClinVar aggregate classification (germline): Benign (1 of 4 stars; one submission).

Submission:

CeGaT Center for Human Genetics Tuebingen
Classification: Benign. Last evaluated: 2023-06-01. Review status: criteria provided, single submitter. Criteria: CeGaT Center For Human Genetics Tuebingen Variant Classification Criteria Version 2. Collection method: clinical testing. Allele origin: germline. Affected: yes. Observed: 14 variant alleles.
Comment: PRKAG2: BS1, BS2